The following is an entry in ClinVar:

NM_001430.5(EPAS1):c.2480T>C (p.Leu827Pro)

Gene: EPAS1 (endothelial PAS domain protein 1; plus strand). Cytogenetic location: 2p21.
Variant type: single nucleotide variant.
Coding change: c.2480T>C on transcript NM_001430.5 (MANE Select); coding-DNA position 2480, T replaced by C.
Protein change: p.Leu827Pro; replaces leucine 827 with proline.
Molecular consequence: missense variant.
Genome position (GRCh38, 1-based): chr2:46,384,527, T>C. VCF-style: chr2-46384527-T-C. GRCh37 (hg19) VCF-style: chr2-46611666-T-C.
Other names: short protein forms L827P.
Identifiers: ClinVar variation 1791919 (VCV001791919.2), dbSNP rs2546483586, ClinGen allele CA346706966.

ClinVar aggregate classification (germline): Uncertain significance (1 of 4 stars; one submission).

Conditions:
Inborn genetic diseases. Identifiers: MedGen C0950123, MeSH D030342.

Submission:

Ambry Genetics
Classification: Uncertain significance for Inborn genetic diseases. Last evaluated: 2022-09-04. Review status: criteria provided, single submitter. Criteria: Ambry Variant Classification Scheme 2023. Collection method: clinical testing. Allele origin: germline.
Comment: The p.L827P variant (also known as c.2480T>C), located in coding exon 16 of the EPAS1 gene, results from a T to C substitution at nucleotide position 2480. The leucine at codon 827 is replaced by proline, an amino acid with similar properties. This amino acid position is conserved. In addition, the in silico prediction for this alteration is inconclusive. Since supporting evidence is limited at this time, the clinical significance of this alteration remains unclear.